The following is an entry in ClinVar:

NM_000059.4(BRCA2):c.3962A>T (p.Asp1321Val)

Gene: BRCA2 (BRCA2 DNA repair associated; plus strand). Cytogenetic location: 13q13.1.
Variant type: single nucleotide variant.
Coding change: c.3962A>T on transcript NM_000059.4 (MANE Select); coding-DNA position 3962, A replaced by T.
Protein change: p.Asp1321Val; replaces aspartic acid 1321 with valine.
Molecular consequence: missense variant.
Genome position (GRCh38, 1-based): chr13:32,338,317, A>T. VCF-style: chr13-32338317-A-T. GRCh37 (hg19) VCF-style: chr13-32912454-A-T.
Other names: short protein forms D1321V.
Identifiers: ClinVar variation 1041276 (VCV001041276.10), dbSNP rs80358645, ClinGen allele CA247506226.

ClinVar aggregate classification (germline): Conflicting classifications of pathogenicity. Review status: criteria provided, conflicting classifications (1 of 4 stars). 2 submissions from 2 submitters: Uncertain significance (1); Likely benign (1). Last evaluated 2023-12-13.

Conditions:
Hereditary cancer-predisposing syndrome. Also called: Hereditary Cancer Syndrome; Tumor predisposition; Hereditary neoplastic syndrome; Neoplastic Syndromes, Hereditary. Identifiers: Orphanet 140162, MedGen C0027672, MeSH D009386, MONDO:0015356.
Hereditary breast ovarian cancer syndrome. Also called: Hereditary breast and ovarian cancer syndrome (HBOC); Breast and ovarian cancer; Hereditary breast and ovarian cancer syndrome; Hereditary breast and ovarian cancer; Hereditary breast and/or ovarian cancer syndrome; BRCA1- and BRCA2-Associated Hereditary Breast and Ovarian Cancer. Identifiers: Orphanet 145, MedGen C0677776, MeSH D061325, MONDO:0003582. Disease mechanism: loss of function.

Allele frequency attached by ClinVar (database versions not stated): TOPMed 0.00002; gnomAD 0.00001.
gnomAD v4.1: 1 of 1,585,380 alleles (0.000063%); highest among the groups gnomAD compares: African/African-American, 0.0014%; no homozygotes.

Submissions (2):

Labcorp Genetics (formerly Invitae), Labcorp
Classification: Uncertain significance for Hereditary breast ovarian cancer syndrome. Last evaluated: 2023-12-13. Review status: criteria provided, single submitter. Criteria: Invitae Variant Classification Sherloc (09022015). Collection method: clinical testing. Allele origin: germline.
Comment: This sequence change replaces aspartic acid, which is acidic and polar, with valine, which is neutral and non-polar, at codon 1321 of the BRCA2 protein (p.Asp1321Val). This variant is not present in population databases (gnomAD no frequency). This variant has not been reported in the literature in individuals affected with BRCA2-related conditions. ClinVar contains an entry for this variant (Variation ID: 1041276). Advanced modeling of protein sequence and biophysical properties (such as structural, functional, and spatial information, amino acid conservation, physicochemical variation, residue mobility, and thermodynamic stability) performed at Invitae indicates that this missense variant is not expected to disrupt BRCA2 protein function with a negative predictive value of 95%. In summary, the available evidence is currently insufficient to determine the role of this variant in disease. Therefore, it has been classified as a Variant of Uncertain Significance.

University of Washington Department of Laboratory Medicine, University of Washington
Classification: Likely benign for Hereditary cancer-predisposing syndrome. Last evaluated: 2023-03-23. Review status: criteria provided, single submitter. Criteria: Dines et al. (Genet Med. 2020). Collection method: curation. Allele origin: germline.
Comment: Missense variant in a coldspot region where missense variants are very unlikely to be pathogenic (PMID:31911673).

BRCA2 exon 11 coldspot. Reclassification based on statistical prior probability.